The following is an entry in ClinVar:

NM_001177693.2(ARHGEF28):c.3929C>T (p.Ala1310Val)

Gene: ARHGEF28 (Rho guanine nucleotide exchange factor 28; plus strand). Cytogenetic location: 5q13.2.
Variant type: single nucleotide variant.
Coding change: c.3929C>T on transcript NM_001177693.2 (MANE Select); coding-DNA position 3929, C replaced by T.
Protein change: p.Ala1310Val; replaces alanine 1310 with valine.
Molecular consequence: missense variant.
Genome position (GRCh38, 1-based): chr5:73,898,049, C>T. VCF-style: chr5-73898049-C-T. GRCh37 (hg19) VCF-style: chr5-73193874-C-T.
Other names: c.3929C>T, p.Ala1310Val (NM_001080479.3, NM_001388078.1); c.2990C>T, p.Ala997Val (NM_001244364.2); c.3635C>T, p.Ala1212Val (NM_001388076.1); short protein forms A1212V, A1310V, A997V.
Identifiers: ClinVar variation 3047029 (VCV003047029.2), dbSNP rs201222982, ClinGen allele CA3305201.

ClinVar aggregate classification (germline): Likely benign (0 of 4 stars; one submission).

Conditions:
ARHGEF28-related disorder. Also called: ARHGEF28-related condition.

Allele frequency attached by ClinVar (database versions not stated): 1000 Genomes Project 0.00020; gnomAD exomes 0.00026; gnomAD 0.00051; TOPMed 0.00009; 1000 Genomes Project 30x 0.00016; ExAC 0.00060.
gnomAD v4.1: 445 of 1,611,078 alleles (0.028%); highest among the groups gnomAD compares: Middle Eastern, 0.05%; 2 homozygotes.

Submission:

PreventionGenetics, part of Exact Sciences
Classification: Likely benign for ARHGEF28-related condition. Last evaluated: 2023-04-04. Review status: no assertion criteria provided. Collection method: clinical testing. Allele origin: germline.
Comment: This variant is classified as likely benign based on ACMG/AMP sequence variant interpretation guidelines (Richards et al. 2015 PMID: 25741868, with internal and published modifications).